The following is an entry in ClinVar:

NM_001130144.3(LTBP3):c.2630G>A (p.Cys877Tyr)

Gene: LTBP3 (latent transforming growth factor beta binding protein 3; minus strand). Cytogenetic location: 11q13.1.
Variant type: single nucleotide variant.
Coding change: c.2630G>A on transcript NM_001130144.3 (MANE Select); coding-DNA position 2630, G replaced by A.
Protein change: p.Cys877Tyr; replaces cysteine 877 with tyrosine.
Molecular consequence: missense variant.
Genome position (GRCh38, 1-based): chr11:65,541,695, C>T on the plus strand (G>A on the coding strand, the complement: LTBP3 is on the minus strand). VCF-style: chr11-65541695-C-T. GRCh37 (hg19) VCF-style: chr11-65309166-C-T.
Other names: c.2279G>A, p.Cys760Tyr (NM_001164266.1); c.2630G>A, p.Cys877Tyr (NM_021070.4); short protein forms C760Y, C877Y.
Identifiers: ClinVar variation 1415941 (VCV001415941.8), dbSNP rs746567483, ClinGen allele CA6100532.

ClinVar aggregate classification (germline): Uncertain significance (1 of 4 stars; one submission).

Conditions:
Brachyolmia-amelogenesis imperfecta syndrome. Also called: Tooth agenesis, selective, 6; Dental anomalies and short stature; PLATYSPONDYLY WITH AMELOGENESIS IMPERFECTA. Identifiers: Orphanet 2899, MedGen C1832594, MONDO:0011018, OMIM 601216. Disease mechanism: loss of function.

Allele frequency attached by ClinVar (database versions not stated): gnomAD exomes below 0.00001; ExAC 0.00001.
gnomAD v4.1: 2 of 1,614,150 alleles (0.00012%); highest among the groups gnomAD compares: Non-Finnish European, 0.000085%; no homozygotes.

Submission:

Labcorp Genetics (formerly Invitae), Labcorp
Classification: Uncertain significance for Brachyolmia-amelogenesis imperfecta syndrome. Last evaluated: 2022-11-15. Review status: criteria provided, single submitter. Criteria: Invitae Variant Classification Sherloc (09022015). Collection method: clinical testing. Allele origin: germline.
Comment: ClinVar contains an entry for this variant (Variation ID: 1415941). In summary, the available evidence is currently insufficient to determine the role of this variant in disease. Therefore, it has been classified as a Variant of Uncertain Significance. Algorithms developed to predict the effect of missense changes on protein structure and function are either unavailable or do not agree on the potential impact of this missense change (SIFT: "Deleterious"; PolyPhen-2: "Probably Damaging"; Align-GVGD: "Class C0"). This variant has not been reported in the literature in individuals affected with LTBP3-related conditions. This variant is present in population databases (rs746567483, gnomAD 0.0009%). This sequence change replaces cysteine, which is neutral and slightly polar, with tyrosine, which is neutral and polar, at codon 877 of the LTBP3 protein (p.Cys877Tyr).